The following is an entry in ClinVar:

NM_000059.4(BRCA2):c.811_824dup (p.Val276fs)

Gene: BRCA2 (BRCA2 DNA repair associated; plus strand). Cytogenetic location: 13q13.1.
Variant type: Duplication.
Coding change: c.811_824dup on transcript NM_000059.4 (MANE Select); coding-DNA positions 811 to 824, 14 bases duplicated (GGGAATTCATTTAA).
Protein change: p.Val276fs; shifts the reading frame from valine 276.
Molecular consequence: frameshift variant. On other transcripts: non-coding transcript variant (1), intron variant (1).
Genome position (GRCh38, 1-based): chr13:32,332,289-32,332,302, GGGAATTCATTTAA duplicated; duplicating any 14 consecutive bases within chr13:32,332,288-32,332,302 gives the same sequence; the c. name uses the placement nearest the transcript's 3' end. VCF-style (leftmost placement, unchanged base first): chr13-32332287-C-CAGGGAATTCATTTA. GRCh37 (hg19) VCF-style: chr13-32906424-C-CAGGGAATTCATTTA.
Other names: c.811_824dup, p.Val276fs (NM_001406719.1, NM_001406720.1, NM_001406721.1); c.424+1259_424+1272dup (NM_001406722.1); short protein forms V276fs.
Identifiers: ClinVar variation 3148680 (VCV003148680.1), dbSNP rs2548518844, ClinGen allele CA2825002124.

ClinVar aggregate classification (germline): Pathogenic (1 of 4 stars; one submission).

Conditions:
Breast-ovarian cancer, familial, susceptibility to, 2 (BROVCA2). Also called: BRCA2 Hereditary Breast and Ovarian Cancer. Identifiers: Orphanet 145, MedGen C2675520, MONDO:0012933, OMIM 612555. Disease mechanism: loss of function.

Submission:

Myriad Genetics, Inc.
Classification: Pathogenic for Breast-ovarian cancer, familial, susceptibility to, 2. Last evaluated: 2024-01-17. Review status: criteria provided, single submitter. Criteria: Myriad Autosomal Dominant, Autosomal Recessive and X-Linked Classification Criteria (2023). Collection method: clinical testing. Allele origin: unknown.
Comment: This variant is considered pathogenic. This variant creates a frameshift predicted to result in premature protein truncation.